The following is an entry in ClinVar:

ClinVar aggregate classification (germline): Uncertain significance (1 of 4 stars; one submission).

Allele frequency attached by ClinVar (database versions not stated): gnomAD 0.00002; TOPMed 0.00002.

Submission:

Labcorp Genetics (formerly Invitae), Labcorp
Classification: Uncertain significance. Last evaluated: 2024-06-24. Review status: criteria provided, single submitter. Criteria: Invitae Variant Classification Sherloc (09022015). Collection method: clinical testing. Allele origin: germline.
Comment: This sequence change replaces proline, which is neutral and non-polar, with leucine, which is neutral and non-polar, at codon 176 of the IRF2BP2 protein (p.Pro176Leu). This variant is not present in population databases (gnomAD no frequency). This variant has not been reported in the literature in individuals affected with IRF2BP2-related conditions. An algorithm developed to predict the effect of missense changes on protein structure and function (PolyPhen-2) suggests that this variant is likely to be disruptive. In summary, the available evidence is currently insufficient to determine the role of this variant in disease. Therefore, it has been classified as a Variant of Uncertain Significance.

NM_182972.3(IRF2BP2):c.527C>T (p.Pro176Leu)

Gene: IRF2BP2 (interferon regulatory factor 2 binding protein 2; minus strand). Cytogenetic location: 1q42.3.
Variant type: single nucleotide variant.
Coding change: c.527C>T on transcript NM_182972.3 (MANE Select); coding-DNA position 527, C replaced by T.
Protein change: p.Pro176Leu; replaces proline 176 with leucine.
Molecular consequence: missense variant.
Genome position (GRCh38, 1-based): chr1:234,608,968, G>A on the plus strand (C>T on the coding strand, the complement: IRF2BP2 is on the minus strand). VCF-style: chr1-234608968-G-A. GRCh37 (hg19) VCF-style: chr1-234744714-G-A.
Other names: c.527C>T, p.Pro176Leu (NM_001077397.1); short protein forms P176L.
Identifiers: ClinVar variation 2993285 (VCV002993285.3), dbSNP rs1312471146, ClinGen allele CA345309849.